The following is an entry in ClinVar:

NM_001348716.2(KDM6B):c.3580C>T (p.Arg1194Trp)

Gene: KDM6B (lysine demethylase 6B; plus strand). Cytogenetic location: 17p13.1.
Variant type: single nucleotide variant.
Coding change: c.3580C>T on transcript NM_001348716.2 (MANE Select); coding-DNA position 3580, C replaced by T.
Protein change: p.Arg1194Trp; replaces arginine 1194 with tryptophan.
Molecular consequence: missense variant.
Genome position (GRCh38, 1-based): chr17:7,850,084, C>T. VCF-style: chr17-7850084-C-T. GRCh37 (hg19) VCF-style: chr17-7753402-C-T.
Other names: c.3580C>T, p.Arg1194Trp (NM_001080424.2); short protein forms R1194W.
Identifiers: ClinVar variation 2672685 (VCV002672685.23), dbSNP rs2544530229, ClinGen allele CA397924203.
Genomic context (GRCh38, chr17:7,850,084, plus strand): 5'-TGAGCCTGGGCCAGGGCTCTGACCCCAGCTCTCCTGGTCATGTCTCAGCTGGAGAGCAAA[C>T]GGGATGCCTTCTCACCTGTCCTGCTGCAGTTCTGTACAGACCCTCGAAATCCCATCACAG-3'
Protein context (NP_001335645.1, residues 1184-1204): PTPSIYLESK[Arg1194Trp]DAFSPVLLQF

ClinVar aggregate classification (germline): Uncertain significance (1 of 4 stars; one submission).

Allele frequency attached by ClinVar (database versions not stated): gnomAD exomes below 0.00001.
gnomAD v4.1: 2 of 1,613,876 alleles (0.00012%); highest among the groups gnomAD compares: Non-Finnish European, 0.00017%; no homozygotes.

Submission:

CeGaT Center for Human Genetics Tuebingen
Classification: Uncertain significance. Last evaluated: 2023-11-01. Review status: criteria provided, single submitter. Criteria: CeGaT Center For Human Genetics Tuebingen Variant Classification Criteria Version 2. Collection method: clinical testing. Allele origin: germline. Affected: yes. Observed: 1 variant allele.
Comment: KDM6B: PM2, PP2, PP3